The following is an entry in ClinVar:

ClinVar aggregate classification (germline): Benign/Likely benign. Review status: criteria provided, multiple submitters, no conflicts (2 of 4 stars). 3 submissions from 3 submitters: Benign (1); Likely benign (1). 1 of the submissions does not count toward it. Last evaluated 2025-08-21.

Conditions:
SCN10A-related disorder. Also called: SCN10A-related condition.
Brugada syndrome. Also called: Sudden unexplained nocturnal death syndrome; Sudden Unexplained Death Syndrome; Sudden Unexplained Nocturnal Death Syndrome (SUNDS); Sudden unexpected nocturnal death syndrome. Identifiers: Orphanet 130, MedGen C1142166, MONDO:0015263.
Cardiovascular phenotype. Identifiers: MedGen CN230736.

Allele frequency attached by ClinVar (database versions not stated): TOPMed 0.00001; gnomAD exomes 0.00012 and 0.00028; 1000 Genomes Project 0.00020; 1000 Genomes Project 30x 0.00031; gnomAD below 0.00001 and 0.00005; ExAC 0.00024.
gnomAD v4.1: 196 of 1,613,710 alleles (0.012%); highest among the groups gnomAD compares: South Asian, 0.2%; 1 homozygote.

Submissions (3):

Labcorp Genetics (formerly Invitae), Labcorp
Classification: Benign for Brugada syndrome. Last evaluated: 2025-08-21. Review status: criteria provided, single submitter. Criteria: Invitae Variant Classification Sherloc (09022015). Collection method: clinical testing. Allele origin: germline.

Ambry Genetics
Classification: Likely benign for Cardiovascular phenotype. Last evaluated: 2021-05-06. Review status: criteria provided, single submitter. Criteria: Ambry Variant Classification Scheme 2023. Collection method: clinical testing. Allele origin: germline.

PreventionGenetics, part of Exact Sciences
Classification: Likely benign for SCN10A-related condition. Last evaluated: 2020-03-09. Review status: no assertion criteria provided. Collection method: clinical testing. Allele origin: germline. Not counted in ClinVar's aggregate classification.
Comment: This variant is classified as likely benign based on ACMG/AMP sequence variant interpretation guidelines (Richards et al. 2015 PMID: 25741868, with internal and published modifications).

NM_006514.4(SCN10A):c.285G>T (p.Leu95=)

Gene: SCN10A (sodium voltage-gated channel alpha subunit 10; minus strand). Cytogenetic location: 3p22.2.
Variant type: single nucleotide variant.
Coding change: c.285G>T on transcript NM_006514.4 (MANE Select); coding-DNA position 285, G replaced by T.
Protein change: p.Leu95=; no amino-acid change (leucine 95 retained).
Molecular consequence: synonymous variant.
Genome position (GRCh38, 1-based): chr3:38,792,154, C>A on the plus strand (G>T on the coding strand, the complement: SCN10A is on the minus strand). VCF-style: chr3-38792154-C-A. GRCh37 (hg19) VCF-style: chr3-38833645-C-A.
Other names: c.285G>T, p.Leu95= (NM_001293306.2, NM_001293307.2).
Identifiers: ClinVar variation 702063 (VCV000702063.11), dbSNP rs560088419, ClinGen allele CA2321256.